The following is an entry in ClinVar:

NM_002180.3(IGHMBP2):c.2784+1G>T

Gene: IGHMBP2 (immunoglobulin mu DNA binding protein 2; plus strand). Cytogenetic location: 11q13.3.
Variant type: single nucleotide variant.
Coding change: c.2784+1G>T on transcript NM_002180.3 (MANE Select); the canonical splice donor site of the intron after coding-DNA position 2784, G replaced by T.
Molecular consequence: splice donor variant.
Genome position (GRCh38, 1-based): chr11:68,938,355, G>T. VCF-style: chr11-68938355-G-T. GRCh37 (hg19) VCF-style: chr11-68705823-G-T.
Identifiers: ClinVar variation 204304 (VCV000204304.9), dbSNP rs797044803, ClinGen allele CA347308.

ClinVar aggregate classification (germline): Pathogenic. Review status: criteria provided, single submitter (1 of 4 stars). 2 submissions from 2 submitters: Pathogenic (1). 1 of the submissions does not count toward it. Last evaluated 2023-09-12.

Conditions:
Autosomal recessive distal spinal muscular atrophy 1. Also called: HMN VI; NEURONOPATHY, SEVERE INFANTILE AXONAL, WITH RESPIRATORY FAILURE; SEVERE INFANTILE AXONAL NEUROPATHY WITH RESPIRATORY FAILURE; SPINAL MUSCULAR ATROPHY, DIAPHRAGMATIC; Spinal muscular atrophy with respiratory distress 1; NEURONOPATHY, DISTAL HEREDITARY MOTOR, HARDING TYPE VI. Identifiers: Orphanet 98920, MedGen C1858517, MONDO:0011436, OMIM 604320.
Charcot-Marie-Tooth disease axonal type 2S. Also called: CHARCOT-MARIE-TOOTH DISEASE, AXONAL, AUTOSOMAL RECESSIVE, TYPE 2S; CHARCOT-MARIE-TOOTH NEUROPATHY, TYPE 2S. Identifiers: Orphanet 443073, MedGen C4015349, MONDO:0014511, OMIM 616155.
Charcot-Marie-Tooth disease. Also called: Charcot-Marie-Tooth Hereditary Neuropathy; Charcot-Marie-Tooth Neuropathy. Identifiers: Orphanet 166, MedGen C0007959, MONDO:0015626.

Allele frequency attached by ClinVar (database versions not stated): TOPMed 0.00001; gnomAD 0.00002.
gnomAD v4.1: 4 of 1,607,074 alleles (0.00025%); highest among the groups gnomAD compares: Non-Finnish European, 0.00034%; no homozygotes.

Submissions (2):

Labcorp Genetics (formerly Invitae), Labcorp
Classification: Pathogenic for Autosomal recessive distal spinal muscular atrophy 1; Charcot-Marie-Tooth disease axonal type 2S. Last evaluated: 2023-09-12. Review status: criteria provided, single submitter. Criteria: Invitae Variant Classification Sherloc (09022015). Collection method: clinical testing. Allele origin: germline.
Comment: This sequence change affects a donor splice site in intron 14 of the IGHMBP2 gene. While this variant is not anticipated to result in nonsense mediated decay, it likely alters RNA splicing and results in a disrupted protein product. This variant is not present in population databases (gnomAD no frequency). Disruption of this splice site has been observed in individual(s) with IGHMBP2-related conditions (PMID: 25568292). It has also been observed to segregate with disease in related individuals. ClinVar contains an entry for this variant (Variation ID: 204304). Variants that disrupt the consensus splice site are a relatively common cause of aberrant splicing (PMID: 17576681, 9536098). Algorithms developed to predict the effect of sequence changes on RNA splicing suggest that this variant may disrupt the consensus splice site. This variant disrupts a region of the IGHMBP2 protein in which other variant(s) (p.Arg971Glufs*4) have been determined to be pathogenic (PMID: 25439726, 25568292, 26392352). This suggests that this is a clinically significant region of the protein, and that variants that disrupt it are likely to be disease-causing. For these reasons, this variant has been classified as Pathogenic.

Inherited Neuropathy Consortium
Classification: Uncertain significance for Charcot-Marie-Tooth disease. Review status: no assertion criteria provided. Collection method: literature only. Allele origin: germline. Affected: yes. Not counted in ClinVar's aggregate classification.

Literature cited by the submitters: PubMed 25568292 (cited by Labcorp Genetics (formerly Invitae), Labcorp and Inherited Neuropathy Consortium); PubMed 17576681 (cited by Labcorp Genetics (formerly Invitae), Labcorp); PubMed 9536098 (cited by Labcorp Genetics (formerly Invitae), Labcorp); PubMed 25439726 (cited by Labcorp Genetics (formerly Invitae), Labcorp); PubMed 26392352 (cited by Labcorp Genetics (formerly Invitae), Labcorp).